The following is an entry in ClinVar:

NM_001384140.1(PCDH15):c.3718-154A>G

Gene: PCDH15 (protocadherin related 15; minus strand). Cytogenetic location: 10q21.1.
Variant type: single nucleotide variant.
Coding change: c.3718-154A>G on transcript NM_001384140.1 (MANE Select); 154 bases into the intron before coding-DNA position 3718, A replaced by G.
Molecular consequence: intron variant.
Genome position (GRCh38, 1-based): chr10:53,857,417, T>C on the plus strand (A>G on the coding strand, the complement: PCDH15 is on the minus strand). VCF-style: chr10-53857417-T-C. GRCh37 (hg19) VCF-style: chr10-55617177-T-C.
Other names: c.3718-154A>G (NM_001354420.2, NM_001354429.2, NM_001142772.2 and 4 more transcripts); c.3733-154A>G (NM_001142771.2, NM_001142763.2); c.3739-154A>G (NM_001354411.2); c.3754-154A>G (NM_001142769.3); c.3652-154A>G (NM_001354404.2, NM_001142773.2, NM_001142768.2); c.3607-154A>G (NM_001142767.2); c.3505-154A>G (NM_001142765.2).
Identifiers: ClinVar variation 678862 (VCV000678862.2), dbSNP rs7083307, ClinGen allele CA207179731.

ClinVar aggregate classification (germline): Benign. Review status: criteria provided, multiple submitters, no conflicts (2 of 4 stars). 2 submissions from 2 submitters: Benign (2). Last evaluated 2018-06-14.

Allele frequency attached by ClinVar (database versions not stated): 1000 Genomes Project 0.76438; 1000 Genomes Project 30x 0.76202; TOPMed 0.64733; gnomAD 0.62854.
gnomAD v4.1: 92,225 of 147,844 alleles (62%); highest among the groups gnomAD compares: East Asian, 97%; 29,771 homozygotes.

Submissions (2):

GeneDx
Classification: Benign. Last evaluated: 2018-06-14. Review status: criteria provided, single submitter. Criteria: GeneDx Variant Classification (06012015). Collection method: clinical testing. Allele origin: germline. Affected: yes.
Comment: This variant is considered likely benign or benign based on one or more of the following criteria: it is a conservative change, it occurs at a poorly conserved position in the protein, it is predicted to be benign by multiple in silico algorithms, and/or has population frequency not consistent with disease.

Breakthrough Genomics
Classification: Benign. Review status: criteria provided, single submitter. Criteria: ACMG Guidelines, 2015. Collection method: not provided. Allele origin: germline. Inheritance: Autosomal recessive inheritance. Affected: yes.